The following is an entry in ClinVar:

NM_003849.4(SUCLG1):c.298G>C (p.Val100Leu)

Gene: SUCLG1 (succinate-CoA ligase GDP/ADP-forming subunit alpha; minus strand). Cytogenetic location: 2p11.2.
Variant type: single nucleotide variant.
Coding change: c.298G>C on transcript NM_003849.4 (MANE Select); coding-DNA position 298, G replaced by C.
Protein change: p.Val100Leu; replaces valine 100 with leucine.
Molecular consequence: missense variant.
Genome position (GRCh38, 1-based): chr2:84,443,304, C>G on the plus strand (G>C on the coding strand, the complement: SUCLG1 is on the minus strand). VCF-style: chr2-84443304-C-G. GRCh37 (hg19) VCF-style: chr2-84670428-C-G.
Other names: short protein forms V100L.
Identifiers: ClinVar variation 418509 (VCV000418509.9), dbSNP rs140441011, ClinGen allele CA1736357.

ClinVar aggregate classification (germline): Uncertain significance. Review status: criteria provided, multiple submitters, no conflicts (2 of 4 stars). 3 submissions from 3 submitters: Uncertain significance (3). Last evaluated 2025-09-03.

Conditions:
Mitochondrial DNA depletion syndrome 9 (MTDPS9). Also called: SUCLG1-Related Mitochondrial DNA Depletion Syndrome, Encephalomyopathic Form with Methylmalonic Aciduria. Identifiers: Orphanet 17, MedGen C3151476, MONDO:0009504, OMIM 245400.

Allele frequency attached by ClinVar (database versions not stated): gnomAD 0.00006 and 0.00007; TOPMed 0.00006; gnomAD exomes 0.00009 and 0.00014; ESP Exome Variant Server 0.00015; ExAC 0.00016; 1000 Genomes Project 0.00020; 1000 Genomes Project 30x 0.00031.
gnomAD v4.1: 131 of 1,614,122 alleles (0.0081%); highest among the groups gnomAD compares: Middle Eastern, 0.033%; no homozygotes.

Submissions (3):

GeneDx
Classification: Uncertain significance. Last evaluated: 2025-09-03. Review status: criteria provided, single submitter. Criteria: GeneDx Variant Classification Process June 2021. Collection method: clinical testing. Allele origin: germline. Affected: yes.
Comment: In silico analysis supports that this missense variant has a deleterious effect on protein structure/function; Has not been previously published as pathogenic or benign to our knowledge

Labcorp Genetics (formerly Invitae), Labcorp
Classification: Uncertain significance for Mitochondrial DNA depletion syndrome 9. Last evaluated: 2024-10-25. Review status: criteria provided, single submitter. Criteria: Invitae Variant Classification Sherloc (09022015). Collection method: clinical testing. Allele origin: germline.
Comment: This sequence change replaces valine, which is neutral and non-polar, with leucine, which is neutral and non-polar, at codon 100 of the SUCLG1 protein (p.Val100Leu). This variant is present in population databases (rs140441011, gnomAD 0.02%). This variant has not been reported in the literature in individuals affected with SUCLG1-related conditions. ClinVar contains an entry for this variant (Variation ID: 418509). Invitae Evidence Modeling of protein sequence and biophysical properties (such as structural, functional, and spatial information, amino acid conservation, physicochemical variation, residue mobility, and thermodynamic stability) has been performed for this missense variant. However, the output from this modeling did not meet the statistical confidence thresholds required to predict the impact of this variant on SUCLG1 protein function. In summary, the available evidence is currently insufficient to determine the role of this variant in disease. Therefore, it has been classified as a Variant of Uncertain Significance.

Baylor Genetics
Classification: Uncertain significance for Mitochondrial DNA depletion syndrome 9. Last evaluated: 2020-05-05. Review status: criteria provided, single submitter. Criteria: ACMG Guidelines, 2015. Collection method: clinical testing. Allele origin: unknown. Affected: yes.
Comment: This variant was determined to be of uncertain significance according to ACMG Guidelines, 2015 [PMID:25741868].